The following is an entry in ClinVar:

ClinVar aggregate classification (germline): Benign. Review status: criteria provided, multiple submitters, no conflicts (2 of 4 stars). 2 submissions from 2 submitters: Benign (2). Last evaluated 2018-06-19.

Allele frequency attached by ClinVar (database versions not stated): TOPMed 0.32923; 1000 Genomes Project 30x 0.33885; 1000 Genomes Project 0.34265.
gnomAD v4.1: 416,990 of 1,188,992 alleles (35%); highest among the groups gnomAD compares: East Asian, 46%; 74,158 homozygotes.

Submissions (2):

GeneDx
Classification: Benign. Last evaluated: 2018-06-19. Review status: criteria provided, single submitter. Criteria: GeneDx Variant Classification (06012015). Collection method: clinical testing. Allele origin: germline. Affected: yes.
Comment: This variant is considered likely benign or benign based on one or more of the following criteria: it is a conservative change, it occurs at a poorly conserved position in the protein, it is predicted to be benign by multiple in silico algorithms, and/or has population frequency not consistent with disease.

Breakthrough Genomics
Classification: Benign. Review status: criteria provided, single submitter. Criteria: ACMG Guidelines, 2015. Collection method: not provided. Allele origin: germline. Inheritance: Autosomal dominant inheritance. Affected: yes.

NM_001083962.2(TCF4):c.146-46372T>A

Gene: TCF4 (transcription factor 4; minus strand). Cytogenetic location: 18q21.2.
Variant type: single nucleotide variant.
Coding change: c.146-46372T>A on transcript NM_001083962.2 (MANE Select); 46372 bases into the intron before coding-DNA position 146, T replaced by A.
Molecular consequence: intron variant.
Genome position (GRCh38, 1-based): chr18:55,510,509, A>T on the plus strand (T>A on the coding strand, the complement: TCF4 is on the minus strand). VCF-style: chr18-55510509-A-T. GRCh37 (hg19) VCF-style: chr18-53177740-A-T.
Other names: c.146-46372T>A (NM_001369569.1, NM_001369572.1, NM_001369568.1 and 8 more transcripts); c.74-46372T>A (NM_001369585.1, NM_001369578.1, NM_001369579.1 and 15 more transcripts); c.19+70T>A (NM_001243231.2, NM_001348211.2); c.452-46372T>A (NM_001243226.3); c.140-46372T>A (NM_001243230.2).
Identifiers: ClinVar variation 674957 (VCV000674957.2), dbSNP rs9954890, ClinGen allele CA14537115.